The following is an entry in ClinVar:

NM_001369.3(DNAH5):c.10004_10007delinsCTGTCTCTTATACACATCTG (p.Ser3335fs)

Gene: DNAH5 (dynein axonemal heavy chain 5; minus strand). Cytogenetic location: 5p15.2.
Variant type: Indel.
Coding change: c.10004_10007delinsCTGTCTCTTATACACATCTG on transcript NM_001369.3 (MANE Select); coding-DNA positions 10004 to 10007, GTGC replaced by CTGTCTCTTATACACATCTG.
Protein change: p.Ser3335fs; shifts the reading frame from serine 3335.
Molecular consequence: frameshift variant.
Genome position (GRCh38, 1-based): chr5:13,766,070-13,766,073, GCAC replaced by CAGATGTGTATAAGAGACAG on the plus strand (GTGC replaced by CTGTCTCTTATACACATCTG on the coding strand, the reverse complement: DNAH5 is on the minus strand). VCF-style: chr5-13766070-GCAC-CAGATGTGTATAAGAGACAG. GRCh37 (hg19) VCF-style: chr5-13766179-GCAC-CAGATGTGTATAAGAGACAG.
Other names: short protein forms S3335fs.
Identifiers: ClinVar variation 5010756 (VCV005010756.1).

ClinVar aggregate classification (germline): Pathogenic (1 of 4 stars; one submission).

Conditions:
Primary ciliary dyskinesia 3. Identifiers: Orphanet 244, MedGen C1837618, MONDO:0012085, OMIM 608644.

Submission:

Myriad Genetics, Inc.
Classification: Pathogenic for Primary ciliary dyskinesia 3. Last evaluated: 2024-05-14. Review status: criteria provided, single submitter. Criteria: Myriad Autosomal Dominant, Autosomal Recessive and X-Linked Classification Criteria (2023). Collection method: clinical testing. Allele origin: unknown.
Comment: NM_001369.2(DNAH5):c.10004_10007del4ins20(S3335Tfs*11) is expected to be pathogenic in the context of primary ciliary dyskinesia, DNAH5-related. This variant is predicted to lead to an abnormal or absent protein product due to the creation of a premature termination codon in DNAH5, a gene where loss-of-function variants are known to be pathogenic. Please note: this variant was assessed in the context of healthy population screening.